The following is an entry in ClinVar:

NM_001211.6(BUB1B):c.1059-7del

Gene: BUB1B (BUB1 mitotic checkpoint serine/threonine kinase B; plus strand). Cytogenetic location: 15q15.1.
Variant type: Deletion.
Coding change: c.1059-7del on transcript NM_001211.6 (MANE Select); 7 bases into the intron before coding-DNA position 1059, one base deleted (T; older notation c.1059-7delT).
Molecular consequence: intron variant.
Genome position (GRCh38, 1-based): chr15:40,196,538, T deleted; the last of 2 consecutive T bases (chr15:40,196,537-40,196,538); deleting either gives the same sequence. VCF-style (leftmost placement, unchanged base first): chr15-40196536-CT-C. GRCh37 (hg19) VCF-style: chr15-40488737-CT-C.
Other names: c.1059-7delT (NM_001211.5).
Identifiers: ClinVar variation 533917 (VCV000533917.12), dbSNP rs770579508, ClinGen allele CA7475655.
Genomic context (GRCh38, chr15:40,196,536, plus strand): 5'-TTCTTTTATCAATCTTATTGATTTTTTTTATTTTGACCCATATGAATAATAGTAATTTTG[CT>C]TCTTTAGGACACCATGTAAAATTGAACCTAGTATAAACCACATCCTAAGCACCAGAAAGC-3'

ClinVar aggregate classification (germline): Conflicting classifications of pathogenicity. Review status: criteria provided, conflicting classifications (1 of 4 stars). 3 submissions from 3 submitters: Uncertain significance (1); Likely benign (2). Last evaluated 2025-06-29.

Conditions:
Mosaic variegated aneuploidy syndrome 1 (MVA1). Also called: Warburton-Anyane-Yeboa syndrome. Identifiers: Orphanet 1052, MedGen C1850343, MONDO:0009759, OMIM 257300.

Submissions (3):

Labcorp Genetics (formerly Invitae), Labcorp
Classification: Likely benign for Mosaic variegated aneuploidy syndrome 1. Last evaluated: 2025-06-29. Review status: criteria provided, single submitter. Criteria: Invitae Variant Classification Sherloc (09022015). Collection method: clinical testing. Allele origin: germline.

GeneDx
Classification: Uncertain significance. Last evaluated: 2024-08-18. Review status: criteria provided, single submitter. Criteria: GeneDx Variant Classification Process June 2021. Collection method: clinical testing. Allele origin: germline.
Comment: In silico analysis indicates that this variant does not alter splicing; Has not been previously published as pathogenic or benign to our knowledge

Blueprint Genetics
Classification: Likely benign. Last evaluated: 2022-03-23. Review status: criteria provided, single submitter. Criteria: ACMG Guidelines, 2015. Collection method: clinical testing. Allele origin: germline.